The following is an entry in ClinVar:

NM_000051.4(ATM):c.8127del (p.Lys2710fs)

Genes: ATM (ATM serine/threonine kinase; plus strand), C11orf65 (chromosome 11 open reading frame 65; minus strand). Cytogenetic location: 11q22.3.
Variant type: Deletion.
Coding change: c.8127del on transcript NM_000051.4 (MANE Select); coding-DNA position 8127, one base deleted (C; older notation c.8127delC).
Protein change: p.Lys2710fs; shifts the reading frame from lysine 2710.
Molecular consequence: frameshift variant. On other transcripts: intron variant (2).
Genome position (GRCh38, 1-based): chr11:108,335,085, C deleted. VCF-style (leftmost placement, unchanged base first): chr11-108335084-GC-G. GRCh37 (hg19) VCF-style: chr11-108205811-GC-G.
Other names: c.8127delC, p.Lys2710Argfs (NM_000051.3); c.8127del, p.Lys2710fs (NM_001351834.2); c.641-26014del (NM_001330368.2); c.*38+135del (NM_001351110.2); short protein forms K2710fs.
Identifiers: ClinVar variation 645981 (VCV000645981.17), dbSNP rs1591192266, ClinGen allele CA915948315.

ClinVar aggregate classification (germline): Pathogenic/Likely pathogenic. Review status: criteria provided, multiple submitters, no conflicts (2 of 4 stars). 6 submissions from 6 submitters: Pathogenic (5); Likely pathogenic (1). Last evaluated 2024-02-05.

Conditions:
Colorectal cancer. Also called: Colorectal cancer, somatic; Malignant Colorectal Neoplasm. Identifiers: MedGen C0346629, MONDO:0005575, OMIM 114500.
Hereditary cancer-predisposing syndrome. Also called: Tumor predisposition; Hereditary neoplastic syndrome; Neoplastic Syndromes, Hereditary; Hereditary Cancer Syndrome. Identifiers: Orphanet 140162, MedGen C0027672, MeSH D009386, MONDO:0015356.
Ataxia-telangiectasia syndrome (AT). Also called: Ataxia-telangiectasia, complementation group D; AT, COMPLEMENTATION GROUP C; ATAXIA-TELANGIECTASIA, COMPLEMENTATION GROUP A; ATAXIA-TELANGIECTASIA, FRESNO VARIANT; Ataxia-telangiectasia; LOUIS-BAR SYNDROME. Identifiers: Orphanet 100, MedGen C0004135, MONDO:0008840, OMIM 208900.
Familial cancer of breast. Also called: Hereditary breast cancer; BREAST CANCER, FAMILIAL; hereditary breast carcinoma. Identifiers: Orphanet 227535, MedGen C0346153, MONDO:0016419, OMIM 114480. Disease mechanism: loss of function.

Submissions (6):

Labcorp Genetics (formerly Invitae), Labcorp
Classification: Pathogenic for Ataxia-telangiectasia syndrome. Last evaluated: 2024-02-05. Review status: criteria provided, single submitter. Criteria: Invitae Variant Classification Sherloc (09022015). Collection method: clinical testing. Allele origin: germline.
Comment: This sequence change creates a premature translational stop signal (p.Lys2710Argfs*13) in the ATM gene. It is expected to result in an absent or disrupted protein product. Loss-of-function variants in ATM are known to be pathogenic (PMID: 23807571, 25614872). This variant is not present in population databases (gnomAD no frequency). This variant has not been reported in the literature in individuals affected with ATM-related conditions. ClinVar contains an entry for this variant (Variation ID: 645981). For these reasons, this variant has been classified as Pathogenic.

Myriad Genetics, Inc.
Classification: Pathogenic for Familial cancer of breast. Last evaluated: 2024-02-01. Review status: criteria provided, single submitter. Criteria: Myriad Autosomal Dominant, Autosomal Recessive and X-Linked Classification Criteria (2023). Collection method: clinical testing. Allele origin: unknown.
Comment: This variant is considered pathogenic. This variant creates a frameshift predicted to result in premature protein truncation.

Baylor Genetics
Classification: Likely pathogenic for Familial cancer of breast. Last evaluated: 2023-06-26. Review status: criteria provided, single submitter. Criteria: ACMG Guidelines, 2015. Collection method: clinical testing. Allele origin: unknown.

Department of Genomics, ADN Uruguay
Classification: Pathogenic for Colorectal cancer. Last evaluated: 2023-06-07. Review status: criteria provided, single submitter. Criteria: Assertion Criteria Germline. Collection method: clinical testing. Allele origin: germline. Inheritance: Autosomal recessive inheritance. Affected: yes. Observed: 1 variant allele.
Comment: This frameshift variant in ATM (c.8127delC, p.Lys2710Argfs*13) introduces a premature stop codon predicted to result in a truncated, nonfunctional protein (PVS1). It is absent from population databases (PM2) and has been reported in individuals with hereditary breast, ovarian, pancreatic, and colorectal cancers. Based on ACMG/AMP guidelines, this variant is classified as Pathogenic.

Color Diagnostics, LLC DBA Color Health
Classification: Pathogenic for Hereditary cancer-predisposing syndrome. Last evaluated: 2021-06-28. Review status: criteria provided, single submitter. Criteria: ACMG Guidelines, 2015. Collection method: clinical testing. Allele origin: germline.
Comment: This variant deletes 1 nucleotide in exon 55 of the ATM gene, creating a frameshift and premature translation stop signal. This variant is expected to result in an absent or non-functional protein product. To our knowledge, this variant has not been reported in individuals affected with hereditary cancer in the literature. This variant has not been identified in the general population by the Genome Aggregation Database (gnomAD). Loss of ATM function is a known mechanism of disease. Based on the available evidence, this variant is classified as Pathogenic.

Ambry Genetics
Classification: Pathogenic for Hereditary cancer-predisposing syndrome. Last evaluated: 2019-07-16. Review status: criteria provided, single submitter. Criteria: Ambry Variant Classification Scheme 2023. Collection method: clinical testing. Allele origin: germline.
Comment: The c.8127delC variant, located in coding exon 54 of the ATM gene, results from a deletion of one nucleotide at nucleotide position 8127, causing a translational frameshift with a predicted alternate stop codon (p.K2710Rfs*13). This alteration is expected to result in loss of function by premature protein truncation or nonsense-mediated mRNA decay. As such, this alteration is interpreted as a disease-causing mutation.

Literature cited by the submitters: PubMed 23807571 (cited by Labcorp Genetics (formerly Invitae), Labcorp); PubMed 25614872 (cited by Labcorp Genetics (formerly Invitae), Labcorp).